The following is an entry in ClinVar:

ClinVar aggregate classification (germline): Likely benign (1 of 4 stars; one submission).

Allele frequency attached by ClinVar (database versions not stated): ExAC 0.00271.

Submissions (8):

CeGaT Center for Human Genetics Tuebingen
Classification: Likely benign. Last evaluated: 2023-08-01. Review status: criteria provided, single submitter. Criteria: CeGaT Center For Human Genetics Tuebingen Variant Classification Criteria Version 2. Collection method: clinical testing. Allele origin: germline. Affected: yes. Observed: 1 variant allele.
Comment: MUC4: BS2

Dr. Peter K. Rogan Lab, Western University
No classification provided (evidence only). Condition: Clear cell carcinoma of kidney. Review status: no classification provided. Collection method: in vitro. Allele origin: not applicable. Functional consequence: retained intron. Not counted in ClinVar's aggregate classification.

Dr. Peter K. Rogan Lab, Western University
No classification provided (evidence only). Condition: Clear cell carcinoma of kidney. Review status: no classification provided. Collection method: in vitro. Allele origin: not applicable. Functional consequence: retained intron. Not counted in ClinVar's aggregate classification.

Dr. Peter K. Rogan Lab, Western University
No classification provided (evidence only). Condition: Familial cancer of breast. Review status: no classification provided. Collection method: in vitro. Allele origin: not applicable. Functional consequence: retained intron. Not counted in ClinVar's aggregate classification.

Dr. Peter K. Rogan Lab, Western University
No classification provided (evidence only). Condition: Uterine corpus endometrial carcinoma. Review status: no classification provided. Collection method: in vitro. Allele origin: not applicable. Functional consequence: retained intron. Not counted in ClinVar's aggregate classification.

Dr. Peter K. Rogan Lab, Western University
No classification provided (evidence only). Condition: Cervical cancer. Review status: no classification provided. Collection method: in vitro. Allele origin: not applicable. Functional consequence: retained intron. Not counted in ClinVar's aggregate classification.

Dr. Peter K. Rogan Lab, Western University
No classification provided (evidence only). Condition: Cervical cancer. Review status: no classification provided. Collection method: in vitro. Allele origin: not applicable. Functional consequence: skipped exon. Not counted in ClinVar's aggregate classification.

Dr. Peter K. Rogan Lab, Western University
No classification provided (evidence only). Condition: Sarcoma. Review status: no classification provided. Collection method: in vitro. Allele origin: not applicable. Functional consequence: retained intron. Not counted in ClinVar's aggregate classification.

NM_018406.7(MUC4):c.9349C>G (p.His3117Asp)

Gene: MUC4 (mucin 4, cell surface associated). Cytogenetic location: 3q29.
Variant type: single nucleotide variant.
Coding change: c.9349C>G on transcript NM_018406.7 (MANE Select); coding-DNA position 9349, C replaced by G.
Protein change: p.His3117Asp; replaces histidine 3117 with aspartic acid.
Molecular consequence: missense variant. On other transcripts: genic upstream transcript variant (2).
Genome position (GRCh38, 1-based): chr3:195,782,231, G>C on the plus strand (C>G on the coding strand, the complement: MUC4 is on the minus strand). VCF-style: chr3-195782231-G-C. GRCh37 (hg19) VCF-style: chr3-195509102-G-C.
Other names: NC_000003.11:g.195509102G>C; c.13300C>G, p.His4434Asp (NM_001322468.1); c.83-7926C>G (NM_138297.5); c.83-3776C>G (NM_004532.6); short protein forms H3117D, H4434D.
Identifiers: ClinVar variation 2654442 (VCV002654442.25), dbSNP rs199531700, ClinGen allele CA2770974.